The following is an entry in ClinVar:

ClinVar aggregate classification (germline): Pathogenic/Likely pathogenic. Review status: criteria provided, multiple submitters, no conflicts (2 of 4 stars). 2 submissions from 2 submitters: Pathogenic (1); Likely pathogenic (1). Last evaluated 2026-06-16.

Conditions:
Familial cancer of breast. Also called: Hereditary breast cancer; BREAST CANCER, FAMILIAL; hereditary breast carcinoma. Identifiers: Orphanet 227535, MedGen C0346153, MONDO:0016419, OMIM 114480. Disease mechanism: loss of function.
Ataxia-telangiectasia syndrome (AT). Also called: Ataxia-telangiectasia, complementation group D; AT, COMPLEMENTATION GROUP C; ATAXIA-TELANGIECTASIA, COMPLEMENTATION GROUP A; ATAXIA-TELANGIECTASIA, FRESNO VARIANT; Ataxia-telangiectasia; LOUIS-BAR SYNDROME. Identifiers: Orphanet 100, MedGen C0004135, MONDO:0008840, OMIM 208900.

Submissions (2):

Myriad Genetics, Inc.
Classification: Likely pathogenic for Familial cancer of breast. Last evaluated: 2026-06-16. Review status: criteria provided, single submitter. Criteria: Myriad Autosomal Dominant, Autosomal Recessive and X-Linked Classification Criteria (2023). Collection method: clinical testing. Allele origin: unknown.
Comment: This variant is considered likely pathogenic. This variant creates a frameshift predicted to result in the incorporation of abnormal amino acid sequence into the protein product and abnormal protein elongation. This variant has been reported in multiple individuals with clinical features of gene-specific disease [PMID: 16266405, 25614872, 15039971, 21965147].

Labcorp Genetics (formerly Invitae), Labcorp
Classification: Pathogenic for Ataxia-telangiectasia syndrome. Last evaluated: 2023-12-14. Review status: criteria provided, single submitter. Criteria: Invitae Variant Classification Sherloc (09022015). Collection method: clinical testing. Allele origin: germline.
Comment: This sequence change results in a frameshift in the ATM gene (p.Asn3044Lysfs*19). While this is not anticipated to result in nonsense mediated decay, it is expected to disrupt the last 13 amino acid(s) of the ATM protein and extend the protein by 5 additional amino acid residues. This variant is not present in population databases (gnomAD no frequency). This variant has not been reported in the literature in individuals affected with ATM-related conditions. ClinVar contains an entry for this variant (Variation ID: 664565). This variant disrupts a region of the ATM protein in which other variant(s) (p.Arg3047*) have been determined to be pathogenic (PMID: 8755918, 16603769, 18560558, 19431188, 19691550, 19781682). This suggests that this is a clinically significant region of the protein, and that variants that disrupt it are likely to be disease-causing. For these reasons, this variant has been classified as Pathogenic.

Literature cited by the submitters: PubMed 16266405 (cited by Myriad Genetics, Inc.); PubMed 25614872 (cited by Myriad Genetics, Inc.); PubMed 15039971 (cited by Myriad Genetics, Inc.); PubMed 21965147 (cited by Myriad Genetics, Inc.); PubMed 8755918 (cited by Labcorp Genetics (formerly Invitae), Labcorp); PubMed 16603769 (cited by Labcorp Genetics (formerly Invitae), Labcorp); PubMed 18560558 (cited by Labcorp Genetics (formerly Invitae), Labcorp); PubMed 19431188 (cited by Labcorp Genetics (formerly Invitae), Labcorp); PubMed 19691550 (cited by Labcorp Genetics (formerly Invitae), Labcorp); PubMed 19781682 (cited by Labcorp Genetics (formerly Invitae), Labcorp).

NM_000051.4(ATM):c.9131dup (p.Asn3044fs)

Genes: ATM (ATM serine/threonine kinase; plus strand), C11orf65 (chromosome 11 open reading frame 65; minus strand). Cytogenetic location: 11q22.3.
Variant type: Duplication.
Coding change: c.9131dup on transcript NM_000051.4 (MANE Select); coding-DNA position 9131, one base duplicated (A; older notation c.9131dupA).
Protein change: p.Asn3044fs; shifts the reading frame from asparagine 3044.
Molecular consequence: frameshift variant. On other transcripts: intron variant (2).
Genome position (GRCh38, 1-based): chr11:108,365,468, A duplicated; the last of 5 consecutive A bases (chr11:108,365,464-108,365,468); duplicating any one gives the same sequence. VCF-style (leftmost placement, unchanged base first): chr11-108365463-C-CA. GRCh37 (hg19) VCF-style: chr11-108236190-C-CA.
Other names: c.9131dupA (NM_000051.3); c.9131dup, p.Asn3044fs (NM_001351834.2); c.640+20456dup (NM_001330368.2); c.694+20456dup (NM_001351110.2); short protein forms N3044fs.
Identifiers: ClinVar variation 664565 (VCV000664565.11), dbSNP rs1591388094, ClinGen allele CA915947681.
Genomic context (GRCh38, chr11:108,365,463, plus strand): 5'-AGGCACTGTGCTCAGTGTTGGTGGACAAGTGAATTTGCTCATACAGCAGGCCATAGACCC[C>CA]AAAAATCTCAGCCGACTTTTCCCAGGATGGAAAGCTTGGGTGTGATCTTCAGTATATGAA-3'